The following is an entry in ClinVar:

NM_000038.6(APC):c.529A>G (p.Asn177Asp)

Gene: APC (APC regulator of Wnt signaling pathway; plus strand). Cytogenetic location: 5q22.2.
Variant type: single nucleotide variant.
Coding change: c.529A>G on transcript NM_000038.6 (MANE Select); coding-DNA position 529, A replaced by G.
Protein change: p.Asn177Asp; replaces asparagine 177 with aspartic acid.
Molecular consequence: missense variant. On other transcripts: 5 prime UTR variant (4), non-coding transcript variant (2).
Genome position (GRCh38, 1-based): chr5:112,775,735, A>G. VCF-style: chr5-112775735-A-G. GRCh37 (hg19) VCF-style: chr5-112111432-A-G.
Other names: c.529A>G, p.Asn177Asp (NM_001407454.1, NM_001407455.1, NM_001407456.1 and 16 more transcripts); c.-507A>G (NM_001407470.1, NM_001407471.1, NM_001407472.1 and 1 more transcripts); c.559A>G, p.Asn187Asp (NM_001127511.3, NM_001354897.2, NM_001354902.2 and 1 more transcripts); c.454A>G, p.Asn152Asp (NM_001354898.2, NM_001354904.2, NM_001407451.1); c.352A>G, p.Asn118Asp (NM_001354900.2, NM_001354901.2, NM_001354905.2 and 1 more transcripts); short protein forms N118D, N152D, N177D, N187D.
Identifiers: ClinVar variation 5024977 (VCV005024977.1).
Genomic context (GRCh38, chr5:112,775,735, plus strand): 5'-TGGTATTACGCTCAACTTCAGAATCTCACTAAAAGAATAGATAGTCTTCCTTTAACTGAA[A>G]ATGTAAGTAACTTGGCAGTACAACTTATTTGAAACTTTAATAACTTGATATTTTAAAGTA-3'
Protein context (NP_000029.2, residues 167-187): KRIDSLPLTE[Asn177Asp]FSLQTDMTRR

ClinVar aggregate classification (germline): Uncertain significance (1 of 4 stars; one submission).

Conditions:
Hereditary cancer-predisposing syndrome. Also called: Neoplastic Syndromes, Hereditary; Tumor predisposition; Hereditary neoplastic syndrome; Hereditary Cancer Syndrome. Identifiers: Orphanet 140162, MedGen C0027672, MeSH D009386, MONDO:0015356.

Submission:

Ambry Genetics
Classification: Uncertain significance for Hereditary cancer-predisposing syndrome. Last evaluated: 2026-07-06. Review status: criteria provided, single submitter. Criteria: Ambry Variant Classification Scheme 2023. Collection method: clinical testing. Allele origin: germline.
Comment: The p.N177D variant (also known as c.529A>G), located in coding exon 4 of the APC gene, results from an A to G substitution at nucleotide position 529. The asparagine at codon 177 is replaced by aspartic acid, an amino acid with highly similar properties. This amino acid position is conserved. In addition, in silico predictors for this gene do not accurately predict pathogenicity. Based on the available evidence, the clinical significance of this variant remains unclear.